The following is an entry in ClinVar:

ClinVar aggregate classification (germline): Benign. Review status: criteria provided, multiple submitters, no conflicts (2 of 4 stars). 4 submissions from 4 submitters: Benign (4). Last evaluated 2018-06-21.

Conditions:
Cystic fibrosis (CF). Also called: MUCOVISCIDOSIS. Identifiers: Orphanet 586, MedGen C0010674, MONDO:0009061, OMIM 219700. Disease mechanism: loss of function.

Allele frequency attached by ClinVar (database versions not stated): gnomAD 0.25914 and 0.25355; 1000 Genomes Project 30x 0.33339; 1000 Genomes Project 0.33666; TOPMed 0.25918; gnomAD exomes 0.22804.
gnomAD v4.1: 237,411 of 1,020,820 alleles (23%); highest among the groups gnomAD compares: East Asian, 40%; 31,168 homozygotes.

Submissions (4):

GeneDx
Classification: Benign. Last evaluated: 2018-06-21. Review status: criteria provided, single submitter. Criteria: GeneDx Variant Classification Process June 2021. Collection method: clinical testing. Allele origin: germline. Affected: yes.

CFTR-France
Classification: Benign for cystic fibrosis. Last evaluated: 2018-01-29. Review status: criteria provided, single submitter. Criteria: Claustres M et al. (Hum Mutat 2017). Collection method: curation. Allele origin: germline. Affected: yes and no.
Comment: the variant does not result in CFTR-RD neither

Ambry Genetics
Classification: Benign for Cystic fibrosis. Last evaluated: 2015-04-30. Review status: criteria provided, single submitter. Criteria: Ambry Variant Classification Scheme 2023. Collection method: clinical testing. Allele origin: germline.

Breakthrough Genomics
Classification: Benign. Review status: criteria provided, single submitter. Criteria: ACMG Guidelines, 2015. Collection method: not provided. Allele origin: germline. Inheritance: Autosomal recessive inheritance. Affected: yes.

NM_000492.4(CFTR):c.1393-61A>G

Genes: CFTR (CF transmembrane conductance regulator; plus strand), CFTR-AS1 (CFTR antisense RNA 1; minus strand). Cytogenetic location: 7q31.2.
Variant type: single nucleotide variant.
Coding change: c.1393-61A>G on transcript NM_000492.4 (MANE Select); 61 bases into the intron before coding-DNA position 1393, A replaced by G.
Molecular consequence: intron variant.
Genome position (GRCh38, 1-based): chr7:117,559,403, A>G. VCF-style: chr7-117559403-A-G. GRCh37 (hg19) VCF-style: chr7-117199457-A-G.
Identifiers: ClinVar variation 818106 (VCV000818106.6), dbSNP rs34855237, ClinGen allele CA164967508.
Genomic context (GRCh38, chr7:117,559,403, plus strand): 5'-AATGAGTTAATAGAATCTTTACAAATAAGAATATACACTTCTGCTTAGGATGATAATTGG[A>G]GGCAAGTGAATCCTGAGCGTGATTTGATAATGACCTAATAATGATGGGTTTTATTTCCAG-3'